The following is an entry in ClinVar:

NM_139058.3(ARX):c.295G>T (p.Gly99Cys)

Gene: ARX (aristaless related homeobox; minus strand). Cytogenetic location: Xp21.3.
Variant type: single nucleotide variant.
Coding change: c.295G>T on transcript NM_139058.3 (MANE Select); coding-DNA position 295, G replaced by T.
Protein change: p.Gly99Cys; replaces glycine 99 with cysteine.
Molecular consequence: missense variant.
Genome position (GRCh38, 1-based): chrX:25,013,700, C>A on the plus strand (G>T on the coding strand, the complement: ARX is on the minus strand). VCF-style: chrX-25013700-C-A. GRCh37 (hg19) VCF-style: chrX-25031817-C-A.
Other names: short protein forms G99C.
Identifiers: ClinVar variation 2576674 (VCV002576674.1), dbSNP rs2048713729, ClinGen allele CA412613469.

ClinVar aggregate classification (germline): Uncertain significance (1 of 4 stars; one submission).

Submission:

GeneDx
Classification: Uncertain significance. Last evaluated: 2023-02-15. Review status: criteria provided, single submitter. Criteria: GeneDx Variant Classification Process June 2021. Collection method: clinical testing. Allele origin: germline. Affected: yes.
Comment: Not observed at significant frequency in large population cohorts (gnomAD); In silico analysis supports that this missense variant does not alter protein structure/function; Has not been previously published as pathogenic or benign to our knowledge